The following is an entry in ClinVar:

NM_001379200.1(TBX1):c.1301A>G (p.His434Arg)

Gene: TBX1 (T-box transcription factor 1; plus strand). Cytogenetic location: 22q11.21.
Variant type: single nucleotide variant.
Coding change: c.1301A>G on transcript NM_001379200.1 (MANE Select); coding-DNA position 1301, A replaced by G.
Protein change: p.His434Arg; replaces histidine 434 with arginine.
Molecular consequence: missense variant. On other transcripts: intron variant (2).
Genome position (GRCh38, 1-based): chr22:19,766,653, A>G. VCF-style: chr22-19766653-A-G. GRCh37 (hg19) VCF-style: chr22-19754176-A-G.
Other names: c.1274A>G, p.His425Arg (NM_080647.1); c.1009+651A>G (NM_005992.1, NM_080646.2); short protein forms H425R, H434R.
Identifiers: ClinVar variation 1766125 (VCV001766125.9), dbSNP rs569976109, ClinGen allele CA10102704.

ClinVar aggregate classification (germline): Uncertain significance. Review status: criteria provided, multiple submitters, no conflicts (2 of 4 stars). 3 submissions from 3 submitters: Uncertain significance (3). Last evaluated 2026-01-21.

Conditions:
Cardiovascular phenotype. Identifiers: MedGen CN230736.
DiGeorge syndrome. Also called: Catch22; THIRD AND FOURTH PHARYNGEAL POUCH SYNDROME. Identifiers: Orphanet 567, MedGen C0012236, MONDO:0008564, OMIM 188400.

Allele frequency attached by ClinVar (database versions not stated): gnomAD exomes 0.00001; gnomAD 0.00002; ExAC 0.00008.
gnomAD v4.1: 15 of 1,552,232 alleles (0.00097%); highest among the groups gnomAD compares: African/African-American, 0.02%; no homozygotes.

Submissions (3):

Labcorp Genetics (formerly Invitae), Labcorp
Classification: Uncertain significance for DiGeorge syndrome. Last evaluated: 2026-01-21. Review status: criteria provided, single submitter. Criteria: Invitae Variant Classification Sherloc (09022015). Collection method: clinical testing. Allele origin: germline.
Comment: This sequence change replaces histidine, which is basic and polar, with arginine, which is basic and polar, at codon 425 of the TBX1 protein (p.His425Arg). The frequency data for this variant in the population databases is considered unreliable, as metrics indicate poor data quality at this position in the gnomAD database. This variant has not been reported in the literature in individuals affected with TBX1-related conditions. ClinVar contains an entry for this variant (Variation ID: 1766125). An algorithm developed to predict the effect of missense changes on protein structure and function (PolyPhen-2) suggests that this variant is likely to be tolerated. In summary, the available evidence is currently insufficient to determine the role of this variant in disease. Therefore, it has been classified as a Variant of Uncertain Significance.

Ambry Genetics
Classification: Uncertain significance for Cardiovascular phenotype. Last evaluated: 2025-05-15. Review status: criteria provided, single submitter. Criteria: Ambry Variant Classification Scheme 2023. Collection method: clinical testing. Allele origin: germline.
Comment: The p.H425R variant (also known as c.1274A>G), located in coding exon 8 of the TBX1 gene, results from an A to G substitution at nucleotide position 1274. The histidine at codon 425 is replaced by arginine, an amino acid with highly similar properties. This amino acid position is conserved. In addition, the in silico prediction for this alteration is inconclusive. Since supporting evidence is limited at this time, the clinical significance of this alteration remains unclear.

GeneDx
Classification: Uncertain significance. Last evaluated: 2022-10-24. Review status: criteria provided, single submitter. Criteria: GeneDx Variant Classification Process June 2021. Collection method: clinical testing. Allele origin: germline. Affected: yes.
Comment: In silico analysis supports that this missense variant does not alter protein structure/function; Has not been previously published as pathogenic or benign to our knowledge